The following is an entry in ClinVar:

NM_024741.3(ZNF408):c.577GTG[1] (p.Val194del)

Gene: ZNF408 (zinc finger protein 408; plus strand). Cytogenetic location: 11p11.2.
Variant type: Microsatellite.
Coding change: c.577GTG[1] on transcript NM_024741.3 (MANE Select); one copy of the 3-base unit GTG starting at c.577; the reference has two copies in a row; one copy, 3 bases deleted.
Protein change: p.Val194del; deletes valine 194.
Molecular consequence: inframe deletion.
Genome position (GRCh38, 1-based): chr11:46,703,171-46,703,173, GTG deleted; deleting any 3 consecutive bases within chr11:46,703,168-46,703,173 gives the same sequence; the position shown is the placement nearest the transcript's 3' end. VCF-style (leftmost placement, unchanged base first): chr11-46703167-AGTG-A. GRCh37 (hg19) VCF-style: chr11-46724717-AGTG-A.
Other names: c.553GTG[1], p.Val186del (NM_001184751.2); c.580_582delGTG (NM_024741.2); short protein forms V186del, V194del.
Identifiers: ClinVar variation 1017576 (VCV001017576.12), dbSNP rs748261520, ClinGen allele CA5966373.

ClinVar aggregate classification (germline): Uncertain significance. Review status: criteria provided, multiple submitters, no conflicts (2 of 4 stars). 3 submissions from 3 submitters: Uncertain significance (2). 1 of the submissions does not count toward it. Last evaluated 2025-11-10.

Conditions:
ZNF408-related disorder. Also called: ZNF408-related condition.

Submissions (3):

Labcorp Genetics (formerly Invitae), Labcorp
Classification: Uncertain significance. Last evaluated: 2025-11-10. Review status: criteria provided, single submitter. Criteria: Invitae Variant Classification Sherloc (09022015). Collection method: clinical testing. Allele origin: germline.
Comment: This variant, c.580_582del, results in the deletion of 1 amino acid(s) of the ZNF408 protein (p.Val194del), but otherwise preserves the integrity of the reading frame. This variant is present in population databases (rs748261520, gnomAD no frequency). This variant has not been reported in the literature in individuals affected with ZNF408-related conditions. Experimental studies and prediction algorithms are not available or were not evaluated, and the functional significance of this variant is currently unknown. In summary, the available evidence is currently insufficient to determine the role of this variant in disease. Therefore, it has been classified as a Variant of Uncertain Significance.

Blueprint Genetics
Classification: Uncertain significance. Last evaluated: 2024-11-14. Review status: criteria provided, single submitter. Criteria: ACMG Guidelines, 2015. Collection method: clinical testing. Allele origin: germline.

PreventionGenetics, part of Exact Sciences
Classification: Uncertain significance for ZNF408-related condition. Last evaluated: 2024-05-06. Review status: no assertion criteria provided. Collection method: clinical testing. Allele origin: germline. Not counted in ClinVar's aggregate classification.
Comment: The ZNF408 c.580_582delGTG variant is predicted to result in an in-frame deletion (p.Val194del). To our knowledge, this variant has not been reported in the literature or in a large population database, indicating it is rare. At this time, the clinical significance of this variant is uncertain due to the absence of conclusive functional and genetic evidence.